The following is an entry in ClinVar:

NM_173651.4(FSIP2):c.11963C>T (p.Ser3988Phe)

Gene: FSIP2 (fibrous sheath interacting protein 2; plus strand). Cytogenetic location: 2q32.1.
Variant type: single nucleotide variant.
Coding change: c.11963C>T on transcript NM_173651.4 (MANE Select); coding-DNA position 11963, C replaced by T.
Protein change: p.Ser3988Phe; replaces serine 3988 with phenylalanine.
Molecular consequence: missense variant.
Genome position (GRCh38, 1-based): chr2:185,801,269, C>T. VCF-style: chr2-185801269-C-T. GRCh37 (hg19) VCF-style: chr2-186665996-C-T.
Other names: short protein forms S3988F.
Identifiers: ClinVar variation 2361032 (VCV002361032.25), dbSNP rs113773415, ClinGen allele CA2016984.
Genomic context (GRCh38, chr2:185,801,269, plus strand): 5'-CTGGTGTTTATTCAGCCACATTTTTGGAAGGAATAATTTCAGAATTGTTTTTTAATCTCT[C>T]TATGTCATTGTGGGGCAAAAATAAAAACATCACTGTGTCCTGGCTCAATGAGATGAATAC-3'
Protein context (NP_775922.3, residues 3978-3998): GIISELFFNL[Ser3988Phe]MSLWGKNKNI

ClinVar aggregate classification (germline): Conflicting classifications of pathogenicity. Review status: criteria provided, conflicting classifications (1 of 4 stars). 3 submissions from 3 submitters: Uncertain significance (1); Likely benign (2). Last evaluated 2024-11-21.

Allele frequency attached by ClinVar (database versions not stated): 1000 Genomes Project 30x 0.00016; 1000 Genomes Project 0.00020; TOPMed 0.00063; gnomAD exomes 0.00071; ExAC 0.00103; gnomAD 0.00129.
gnomAD v4.1: 1,159 of 1,533,822 alleles (0.076%); highest among the groups gnomAD compares: Non-Finnish European, 0.072%; 7 homozygotes.

Submissions (3):

Blueprint Genetics
Classification: Likely benign. Last evaluated: 2024-11-21. Review status: criteria provided, single submitter. Criteria: ACMG Guidelines, 2015. Collection method: clinical testing. Allele origin: germline.

CeGaT Center for Human Genetics Tuebingen
Classification: Likely benign. Last evaluated: 2024-03-01. Review status: criteria provided, single submitter. Criteria: CeGaT Center For Human Genetics Tuebingen Variant Classification Criteria Version 2. Collection method: clinical testing. Allele origin: germline. Affected: yes. Observed: 2 variant alleles.
Comment: FSIP2: BP4

Ambry Genetics
Classification: Uncertain significance. Last evaluated: 2021-09-01. Review status: criteria provided, single submitter. Criteria: Ambry Variant Classification Scheme 2023. Collection method: clinical testing. Allele origin: germline.